The following is an entry in ClinVar:

ClinVar aggregate classification (germline): Uncertain significance. Review status: criteria provided, multiple submitters, no conflicts (2 of 4 stars). 2 submissions from 2 submitters: Uncertain significance (2). Last evaluated 2024-02-18.

Conditions:
Fanconi anemia (FA). Also called: Fanconi's anemia. Identifiers: Orphanet 84, MedGen C0015625, MeSH D005199, MONDO:0019391.
Fanconi anemia complementation group P. Also called: SLX4-Related Fanconi Anemia. Identifiers: Orphanet 84, MedGen C3469542, MONDO:0013499, OMIM 613951.

Allele frequency attached by ClinVar (database versions not stated): gnomAD exomes below 0.00001 and 0.00001; ExAC 0.00001; TOPMed 0.00001.
gnomAD v4.1: 4 of 1,614,060 alleles (0.00025%); highest among the groups gnomAD compares: Middle Eastern, 0.017%; no homozygotes.

Submissions (2):

Fulgent Genetics
Classification: Uncertain significance for Fanconi anemia complementation group P. Last evaluated: 2024-02-18. Review status: criteria provided, single submitter. Criteria: ACMG Guidelines, 2015. Collection method: clinical testing. Allele origin: germline.

Labcorp Genetics (formerly Invitae), Labcorp
Classification: Uncertain significance for Fanconi anemia. Last evaluated: 2022-11-01. Review status: criteria provided, single submitter. Criteria: Invitae Variant Classification Sherloc (09022015). Collection method: clinical testing. Allele origin: germline.
Comment: Algorithms developed to predict the effect of missense changes on protein structure and function output the following: SIFT: "Tolerated"; PolyPhen-2: "Probably Damaging"; Align-GVGD: "Class C0". The arginine amino acid residue is found in multiple mammalian species, which suggests that this missense change does not adversely affect protein function. ClinVar contains an entry for this variant (Variation ID: 1038292). This missense change has been observed in individual(s) with breast cancer (PMID: 23840564, 28202063). This variant is present in population databases (rs772246820, gnomAD 0.0009%). This sequence change replaces glycine, which is neutral and non-polar, with arginine, which is basic and polar, at codon 1113 of the SLX4 protein (p.Gly1113Arg). In summary, the available evidence is currently insufficient to determine the role of this variant in disease. Therefore, it has been classified as a Variant of Uncertain Significance.

Literature cited by the submitters: PubMed 23840564 (cited by Labcorp Genetics (formerly Invitae), Labcorp); PubMed 28202063 (cited by Labcorp Genetics (formerly Invitae), Labcorp).

NM_032444.4(SLX4):c.3337G>C (p.Gly1113Arg)

Gene: SLX4 (SLX4 structure-specific endonuclease subunit; minus strand). Cytogenetic location: 16p13.3.
Variant type: single nucleotide variant.
Coding change: c.3337G>C on transcript NM_032444.4 (MANE Select); coding-DNA position 3337, G replaced by C.
Protein change: p.Gly1113Arg; replaces glycine 1113 with arginine.
Molecular consequence: missense variant.
Genome position (GRCh38, 1-based): chr16:3,590,301, C>G on the plus strand (G>C on the coding strand, the complement: SLX4 is on the minus strand). VCF-style: chr16-3590301-C-G. GRCh37 (hg19) VCF-style: chr16-3640302-C-G.
Other names: short protein forms G1113R.
Identifiers: ClinVar variation 1038292 (VCV001038292.7), dbSNP rs772246820, ClinGen allele CA7865938.